The following is an entry in ClinVar:

NM_001165963.4(SCN1A):c.2946+5G>T

Gene: SCN1A (sodium voltage-gated channel alpha subunit 1; minus strand). Cytogenetic location: 2q24.3.
Variant type: single nucleotide variant.
Coding change: c.2946+5G>T on transcript NM_001165963.4 (MANE Select); 5 bases into the intron after coding-DNA position 2946, G replaced by T.
Molecular consequence: intron variant.
Genome position (GRCh38, 1-based): chr2:166,037,771, C>A on the plus strand (G>T on the coding strand, the complement: SCN1A is on the minus strand). VCF-style: chr2-166037771-C-A. GRCh37 (hg19) VCF-style: chr2-166894281-C-A.
Other names: c.2913+5G>T (NM_001353951.2, NM_001353952.2, NM_006920.6 and 2 more transcripts); c.2946+5G>T (NM_001353948.2, NM_001202435.3); c.2859+5G>T (NM_001353960.2); c.2910+5G>T (NM_001353954.2, NM_001353955.2); c.2862+5G>T (NM_001165964.3, NM_001353958.2, NM_001353957.2); c.504+5G>T (NM_001353961.2).
Identifiers: ClinVar variation 4819161 (VCV004819161.1).

ClinVar aggregate classification (germline): Uncertain significance (1 of 4 stars; one submission).

Conditions:
Generalized epilepsy with febrile seizures plus, type 2 (GEFSP2). Also called: GEFS+, TYPE 2. Identifiers: Orphanet 36387, MedGen C1858673, MONDO:0011461, OMIM 604403.

Submission:

Institute of Human Genetics, University of Leipzig Medical Center
Classification: Uncertain significance for Generalized epilepsy with febrile seizures plus, type 2. Last evaluated: 2026-02-24. Review status: criteria provided, single submitter. Criteria: ACMG Guidelines, 2015. Collection method: clinical testing. Allele origin: maternal. Inheritance: Autosomal dominant inheritance. Affected: yes.
Comment: Criteria applied: PM2,PS1